The following is an entry in ClinVar:

ClinVar aggregate classification (germline): Uncertain significance (1 of 4 stars; one submission).

gnomAD v4.1: 2 of 1,613,082 alleles (0.00012%); highest among the groups gnomAD compares: Middle Eastern, 0.017%; no homozygotes.

Submission:

Labcorp Genetics (formerly Invitae), Labcorp
Classification: Uncertain significance. Last evaluated: 2022-02-11. Review status: criteria provided, single submitter. Criteria: Invitae Variant Classification Sherloc (09022015). Collection method: clinical testing. Allele origin: germline.
Comment: This sequence change replaces leucine, which is neutral and non-polar, with valine, which is neutral and non-polar, at codon 3 of the PDE6G protein (p.Leu3Val). This variant is not present in population databases (gnomAD no frequency). This variant has not been reported in the literature in individuals affected with PDE6G-related conditions. Algorithms developed to predict the effect of missense changes on protein structure and function (SIFT, PolyPhen-2, Align-GVGD) all suggest that this variant is likely to be disruptive. In summary, the available evidence is currently insufficient to determine the role of this variant in disease. Therefore, it has been classified as a Variant of Uncertain Significance.

NM_002602.4(PDE6G):c.7C>G (p.Leu3Val)

Gene: PDE6G (phosphodiesterase 6G; minus strand). Cytogenetic location: 17q25.3.
Variant type: single nucleotide variant.
Coding change: c.7C>G on transcript NM_002602.4 (MANE Select); coding-DNA position 7, C replaced by G.
Protein change: p.Leu3Val; replaces leucine 3 with valine.
Molecular consequence: missense variant.
Genome position (GRCh38, 1-based): chr17:81,653,299, G>C on the plus strand (C>G on the coding strand, the complement: PDE6G is on the minus strand). VCF-style: chr17-81653299-G-C. GRCh37 (hg19) VCF-style: chr17-79620329-G-C.
Other names: c.7C>G, p.Leu3Val (NM_001365724.1, NM_001365725.1); short protein forms L3V.
Identifiers: ClinVar variation 1930198 (VCV001930198.2), dbSNP rs1165789104, ClinGen allele CA401474631.